The following is an entry in ClinVar:

ClinVar aggregate classification (germline): Uncertain significance. Review status: criteria provided, multiple submitters, no conflicts (2 of 4 stars). 2 submissions from 2 submitters: Uncertain significance (2). Last evaluated 2024-05-15.

Submissions (2):

GeneDx
Classification: Uncertain significance. Last evaluated: 2024-05-15. Review status: criteria provided, single submitter. Criteria: GeneDx Variant Classification Process June 2021. Collection method: clinical testing. Allele origin: germline. Affected: yes.
Comment: Not observed at significant frequency in large population cohorts (gnomAD); In silico analysis indicates that this missense variant does not alter protein structure/function; Has not been previously published as pathogenic or benign to our knowledge

Revvity Omics, Revvity
Classification: Uncertain significance. Last evaluated: 2024-03-25. Review status: criteria provided, single submitter. Criteria: ACMG Guidelines, 2015. Collection method: clinical testing. Allele origin: germline.

NM_001164508.2(NEB):c.19075G>A (p.Val6359Ile)

Gene: NEB (nebulin; minus strand). Cytogenetic location: 2q23.3.
Variant type: single nucleotide variant.
Coding change: c.19075G>A on transcript NM_001164508.2 (MANE Select); coding-DNA position 19075, G replaced by A.
Protein change: p.Val6359Ile; replaces valine 6359 with isoleucine.
Molecular consequence: missense variant.
Genome position (GRCh38, 1-based): chr2:151,561,234, C>T on the plus strand (G>A on the coding strand, the complement: NEB is on the minus strand). VCF-style: chr2-151561234-C-T. GRCh37 (hg19) VCF-style: chr2-152417748-C-T.
Other names: c.19075G>A, p.Val6359Ile (NM_001164507.2, NM_001271208.2); c.13972G>A, p.Val4658Ile (NM_004543.5); short protein forms V4658I, V6359I.
Identifiers: ClinVar variation 3378305 (VCV003378305.2).
Genomic context (GRCh38, chr2:151,561,234, plus strand): 5'-TTTGTCCCTGGAAGAGGAGTACAGGAAGACGCACCTCACTGGCATTAATGCCACTCTGAA[C>T]AGCAGTCACATAGAGGGGCGTGTCTGTGACCAGATTATAGTTTTGTAGATTTTCTTTACC-3'
Protein context (NP_001157980.2, residues 6349-6369): VTDTPLYVTA[Val6359Ile]QSGINASEVK